The following is an entry in ClinVar:

NM_003200.5(TCF3):c.188A>G (p.Asp63Gly)

Gene: TCF3 (transcription factor 3; minus strand). Cytogenetic location: 19p13.3.
Variant type: single nucleotide variant.
Coding change: c.188A>G on transcript NM_003200.5 (MANE Select); coding-DNA position 188, A replaced by G.
Protein change: p.Asp63Gly; replaces aspartic acid 63 with glycine.
Molecular consequence: missense variant.
Genome position (GRCh38, 1-based): chr19:1,632,363, T>C on the plus strand (A>G on the coding strand, the complement: TCF3 is on the minus strand). VCF-style: chr19-1632363-T-C. GRCh37 (hg19) VCF-style: chr19-1632362-T-C.
Other names: c.188A>G, p.Asp63Gly (NM_001136139.4, NM_001351778.2, NM_001351779.2); short protein forms D63G.
Identifiers: ClinVar variation 2814315 (VCV002814315.3), dbSNP rs2514259890, ClinGen allele CA403080117.

ClinVar aggregate classification (germline): Uncertain significance (1 of 4 stars; one submission).

Submission:

Labcorp Genetics (formerly Invitae), Labcorp
Classification: Uncertain significance. Last evaluated: 2022-11-23. Review status: criteria provided, single submitter. Criteria: Invitae Variant Classification Sherloc (09022015). Collection method: clinical testing. Allele origin: germline.
Comment: This sequence change replaces aspartic acid, which is acidic and polar, with glycine, which is neutral and non-polar, at codon 63 of the TCF3 protein (p.Asp63Gly). This variant is not present in population databases (gnomAD no frequency). This variant has not been reported in the literature in individuals affected with TCF3-related conditions. Advanced modeling of protein sequence and biophysical properties (such as structural, functional, and spatial information, amino acid conservation, physicochemical variation, residue mobility, and thermodynamic stability) performed at Invitae indicates that this missense variant is not expected to disrupt TCF3 protein function. In summary, the available evidence is currently insufficient to determine the role of this variant in disease. Therefore, it has been classified as a Variant of Uncertain Significance.